The following is an entry in ClinVar:

NM_003579.4(RAD54L):c.1282C>G (p.Leu428Val)

Gene: RAD54L (RAD54 like; plus strand). Cytogenetic location: 1p34.1.
Variant type: single nucleotide variant.
Coding change: c.1282C>G on transcript NM_003579.4 (MANE Select); coding-DNA position 1282, C replaced by G.
Protein change: p.Leu428Val; replaces leucine 428 with valine.
Molecular consequence: missense variant.
Genome position (GRCh38, 1-based): chr1:46,272,709, C>G. VCF-style: chr1-46272709-C-G. GRCh37 (hg19) VCF-style: chr1-46738381-C-G.
Other names: c.1282C>G, p.Leu428Val (NM_001142548.2); c.742C>G, p.Leu248Val (NM_001370766.1); short protein forms L248V, L428V.
Identifiers: ClinVar variation 3312485 (VCV003312485.1).

ClinVar aggregate classification (germline): Uncertain significance (1 of 4 stars; one submission).

gnomAD v4.1: 1 of 1,614,154 alleles (0.000062%); highest among the groups gnomAD compares: Non-Finnish European, 0.000085%; no homozygotes.

Submission:

Ambry Genetics
Classification: Uncertain significance. Last evaluated: 2024-05-25. Review status: criteria provided, single submitter. Criteria: Ambry Variant Classification Scheme 2023. Collection method: clinical testing. Allele origin: germline.
Comment: The p.L428V variant (also known as c.1282C>G), located in coding exon 12 of the RAD54L gene, results from a C to G substitution at nucleotide position 1282. The leucine at codon 428 is replaced by valine, an amino acid with highly similar properties. This amino acid position is conserved. In addition, this alteration is predicted to be tolerated by in silico analysis. Based on the available evidence, the clinical significance of this variant remains unclear.